The following is an entry in ClinVar:

NM_014264.5(PLK4):c.1948T>C (p.Tyr650His)

Gene: PLK4 (polo like kinase 4; plus strand). Cytogenetic location: 4q28.1.
Variant type: single nucleotide variant.
Coding change: c.1948T>C on transcript NM_014264.5 (MANE Select); coding-DNA position 1948, T replaced by C.
Protein change: p.Tyr650His; replaces tyrosine 650 with histidine.
Molecular consequence: missense variant.
Genome position (GRCh38, 1-based): chr4:127,891,591, T>C. VCF-style: chr4-127891591-T-C. GRCh37 (hg19) VCF-style: chr4-128812746-T-C.
Other names: c.1852T>C, p.Tyr618His (NM_001190799.2); c.1825T>C, p.Tyr609His (NM_001190801.2); short protein forms Y650H, Y609H, Y618H.
Identifiers: ClinVar variation 393176 (VCV000393176.3), dbSNP rs933959203, ClinGen allele CA16604697.
Genomic context (GRCh38, chr4:127,891,591, plus strand): 5'-TGGAACTTAATGGCATGTAATTAGAATTTTAAAAAAATCTTTTGGCAGATCACTATTTAT[T>C]ATCCAAATGGTGGTAGAGGTTTTCCTCTTGCTGATAGACCACCCTCACCTACTGACAACA-3'
Protein context (NP_055079.3, residues 640-660): SSDGNTITIY[Tyr650His]PNGGRGFPLA

ClinVar aggregate classification (germline): Uncertain significance. Review status: criteria provided, multiple submitters, no conflicts (2 of 4 stars). 2 submissions from 2 submitters: Uncertain significance (2). Last evaluated 2025-08-22.

Conditions:
Inborn genetic diseases. Identifiers: MedGen C0950123, MeSH D030342.

Allele frequency attached by ClinVar (database versions not stated): gnomAD exomes below 0.00001 and 0.00001; gnomAD 0.00001.
gnomAD v4.1: 8 of 1,498,194 alleles (0.00053%); highest among the groups gnomAD compares: Middle Eastern, 0.056%; no homozygotes.

Submissions (2):

Ambry Genetics
Classification: Uncertain significance for Inborn genetic diseases. Last evaluated: 2025-08-22. Review status: criteria provided, single submitter. Criteria: Ambry Variant Classification Scheme 2023. Collection method: clinical testing. Allele origin: germline.

GeneDx
Classification: Uncertain significance. Last evaluated: 2018-03-01. Review status: criteria provided, single submitter. Criteria: GeneDx Variant Classification (06012015). Collection method: clinical testing. Allele origin: germline. Affected: yes.
Comment: The Y650H variant in the PLK4 gene has not been reported previously as a pathogenic variant, nor as a benign variant, to our knowledge. The Y650H variant is not observed in large population cohorts (Lek et al., 2016; 1000 Genomes Consortium et al., 2015; Exome Variant Server). The Y650H variant is a non-conservative amino acid substitution, which is likely to impact secondary protein structure as these residues differ in polarity, charge, size and/or other properties. This substitution occurs at a position that is conserved in mammals. However, in silico analysis predicts this variant likely does not alter the protein structure/function. We interpret Y650H as a variant of uncertain significance.